The following is an entry in ClinVar:

ClinVar aggregate classification (germline): Uncertain significance (1 of 4 stars; one submission).

Submission:

GeneDx
Classification: Uncertain significance. Last evaluated: 2024-04-25. Review status: criteria provided, single submitter. Criteria: GeneDx Variant Classification Process June 2021. Collection method: clinical testing. Allele origin: germline. Affected: yes.
Comment: Not observed at significant frequency in large population cohorts (gnomAD); In silico analysis indicates that this missense variant does not alter protein structure/function; Has not been previously published as pathogenic or benign to our knowledge

NM_004187.5(KDM5C):c.2371C>G (p.Leu791Val)

Gene: KDM5C (lysine demethylase 5C; minus strand). Cytogenetic location: Xp11.22.
Variant type: single nucleotide variant.
Coding change: c.2371C>G on transcript NM_004187.5 (MANE Select); coding-DNA position 2371, C replaced by G.
Protein change: p.Leu791Val; replaces leucine 791 with valine.
Molecular consequence: missense variant. On other transcripts: non-coding transcript variant (3).
Genome position (GRCh38, 1-based): chrX:53,198,635, G>C on the plus strand (C>G on the coding strand, the complement: KDM5C is on the minus strand). VCF-style: chrX-53198635-G-C. GRCh37 (hg19) VCF-style: chrX-53227817-G-C.
Other names: c.2170C>G, p.Leu724Val (NM_001146702.2); c.2368C>G, p.Leu790Val (NM_001282622.3, NM_001353979.2, NM_001353982.2); c.2371C>G, p.Leu791Val (NM_001353978.3, NM_001353981.2, NM_001353984.2); short protein forms L724V, L790V, L791V.
Identifiers: ClinVar variation 3373103 (VCV003373103.1).
Genomic context (GRCh38, chrX:53,198,635, plus strand): 5'-GCTCACTATTAGGAAACCTCCGCTCACGGGCTTCAGACTCTAGTGCCCTCAGTTCTTCAA[G>C]GCCTGGAAGAAAAATGAGGGCAGCAAAGAGTAGGCAGTATTGAATAGAGGCAGAGGAAGG-3'
Protein context (NP_004178.2, residues 781-801): LEVEDGRKRS[Leu791Val]EELRALESEA